The following is an entry in ClinVar:

ClinVar aggregate classification (germline): Likely benign. Review status: criteria provided, multiple submitters, no conflicts (2 of 4 stars). 2 submissions from 2 submitters: Likely benign (2). Last evaluated 2024-12-27.

Conditions:
RAI1-related disorder. Also called: RAI1-related condition.

Allele frequency attached by ClinVar (database versions not stated): gnomAD 0.00001; ExAC 0.00004.
gnomAD v4.1: 35 of 1,598,080 alleles (0.0022%); highest among the groups gnomAD compares: South Asian, 0.038%; no homozygotes.

Submissions (2):

PreventionGenetics, part of Exact Sciences
Classification: Likely benign for RAI1-related condition. Last evaluated: 2024-12-27. Review status: criteria provided, single submitter. Criteria: ACMG Guidelines, 2015. Collection method: clinical testing. Allele origin: germline.
Comment: This variant is classified as likely benign based on ACMG/AMP sequence variant interpretation guidelines (Richards et al. 2015 PMID: 25741868, with internal and published modifications).

Labcorp Genetics (formerly Invitae), Labcorp
Classification: Likely benign. Last evaluated: 2023-09-20. Review status: criteria provided, single submitter. Criteria: Invitae Variant Classification Sherloc (09022015). Collection method: clinical testing. Allele origin: germline.

NM_030665.4(RAI1):c.5331C>G (p.Ser1777=)

Gene: RAI1 (retinoic acid induced 1; plus strand). Cytogenetic location: 17p11.2.
Variant type: single nucleotide variant.
Coding change: c.5331C>G on transcript NM_030665.4 (MANE Select); coding-DNA position 5331, C replaced by G.
Protein change: p.Ser1777=; no amino-acid change (serine 1777 retained).
Molecular consequence: synonymous variant.
Genome position (GRCh38, 1-based): chr17:17,798,279, C>G. VCF-style: chr17-17798279-C-G. GRCh37 (hg19) VCF-style: chr17-17701593-C-G.
Other names: c.5331C>G (NM_030665.3).
Identifiers: ClinVar variation 2969719 (VCV002969719.4), dbSNP rs749361779, ClinGen allele CA8419134.